The following is an entry in ClinVar:

ClinVar aggregate classification (germline): Conflicting classifications of pathogenicity. Review status: criteria provided, conflicting classifications (1 of 4 stars). 3 submissions from 3 submitters: Uncertain significance (2); Likely benign (1). Last evaluated 2023-03-23.

Conditions:
Hereditary cancer-predisposing syndrome. Also called: Neoplastic Syndromes, Hereditary; Hereditary Cancer Syndrome; Tumor predisposition; Hereditary neoplastic syndrome. Identifiers: Orphanet 140162, MedGen C0027672, MeSH D009386, MONDO:0015356.
Hereditary breast ovarian cancer syndrome. Also called: Hereditary breast and ovarian cancer; Hereditary breast and ovarian cancer syndrome; Breast and ovarian cancer; BRCA1- and BRCA2-Associated Hereditary Breast and Ovarian Cancer; Hereditary breast and/or ovarian cancer syndrome; Hereditary breast and ovarian cancer syndrome (HBOC). Identifiers: Orphanet 145, MedGen C0677776, MeSH D061325, MONDO:0003582. Disease mechanism: loss of function.

Submissions (3):

University of Washington Department of Laboratory Medicine, University of Washington
Classification: Likely benign for Hereditary cancer-predisposing syndrome. Last evaluated: 2023-03-23. Review status: criteria provided, single submitter. Criteria: Dines et al. (Genet Med. 2020). Collection method: curation. Allele origin: germline.
Comment: Missense variant in a coldspot region where missense variants are very unlikely to be pathogenic (PMID:31911673).

BRCA2 exon 11 coldspot. Reclassification based on statistical prior probability.

Quest Diagnostics Nichols Institute San Juan Capistrano
Classification: Uncertain significance. Last evaluated: 2020-08-01. Review status: criteria provided, single submitter. Criteria: Quest Diagnostics criteria. Collection method: clinical testing. Allele origin: unknown.

Labcorp Genetics (formerly Invitae), Labcorp
Classification: Uncertain significance for Hereditary breast ovarian cancer syndrome. Last evaluated: 2020-02-13. Review status: criteria provided, single submitter. Criteria: Invitae Variant Classification Sherloc (09022015). Collection method: clinical testing. Allele origin: germline.
Comment: This variant is not present in population databases (ExAC no frequency). In summary, the available evidence is currently insufficient to determine the role of this variant in disease. Therefore, it has been classified as a Variant of Uncertain Significance. Algorithms developed to predict the effect of missense changes on protein structure and function are either unavailable or do not agree on the potential impact of this missense change (SIFT: "Tolerated"; PolyPhen-2: "Possibly Damaging"; Align-GVGD: "Class C0"). This variant has not been reported in the literature in individuals with BRCA2-related conditions. This sequence change replaces threonine with serine at codon 1346 of the BRCA2 protein (p.Thr1346Ser). The threonine residue is weakly conserved and there is a small physicochemical difference between threonine and serine.

NM_000059.4(BRCA2):c.4037C>G (p.Thr1346Ser)

Gene: BRCA2 (BRCA2 DNA repair associated; plus strand). Cytogenetic location: 13q13.1.
Variant type: single nucleotide variant.
Coding change: c.4037C>G on transcript NM_000059.4 (MANE Select); coding-DNA position 4037, C replaced by G.
Protein change: p.Thr1346Ser; replaces threonine 1346 with serine.
Molecular consequence: missense variant.
Genome position (GRCh38, 1-based): chr13:32,338,392, C>G. VCF-style: chr13-32338392-C-G. GRCh37 (hg19) VCF-style: chr13-32912529-C-G.
Other names: short protein forms T1346S.
Identifiers: ClinVar variation 993173 (VCV000993173.14), dbSNP rs1555283519, ClinGen allele CA387779082.
Genomic context (GRCh38, chr13:32,338,392, plus strand): 5'-CTGCCAGTAGAAATTCTCATAACTTAGAATTTGATGGCAGTGATTCAAGTAAAAATGATA[C>G]TGTTTGTATTCATAAAGATGAAACGGACTTGCTATTTACTGATCAGCACAACATATGTCT-3'
Protein context (NP_000050.3, residues 1336-1356): FDGSDSSKND[Thr1346Ser]VCIHKDETDL